The following is an entry in ClinVar:

ClinVar aggregate classification (germline): Uncertain significance (1 of 4 stars; one submission).

Conditions:
EAST syndrome (SESAMES). Also called: SEIZURES, SENSORINEURAL DEAFNESS, ATAXIA, IMPAIRED INTELLECTUAL DEVELOPMENT, AND ELECTROLYTE IMBALANCE. Identifiers: Orphanet 199343, MedGen C2748572, MONDO:0013005, OMIM 612780.

gnomAD v4.1: 1 of 1,614,132 alleles (0.000062%); highest among the groups gnomAD compares: Admixed American, 0.0017%; no homozygotes.

Submission:

Labcorp Genetics (formerly Invitae), Labcorp
Classification: Uncertain significance for EAST syndrome. Last evaluated: 2024-10-22. Review status: criteria provided, single submitter. Criteria: Invitae Variant Classification Sherloc (09022015). Collection method: clinical testing. Allele origin: germline.
Comment: This sequence change replaces glycine, which is neutral and non-polar, with aspartic acid, which is acidic and polar, at codon 308 of the KCNJ10 protein (p.Gly308Asp). This variant is present in population databases (rs760522990, gnomAD 0.003%). This variant has not been reported in the literature in individuals affected with KCNJ10-related conditions. Invitae Evidence Modeling of protein sequence and biophysical properties (such as structural, functional, and spatial information, amino acid conservation, physicochemical variation, residue mobility, and thermodynamic stability) indicates that this missense variant is expected to disrupt KCNJ10 protein function with a positive predictive value of 95%. In summary, the available evidence is currently insufficient to determine the role of this variant in disease. Therefore, it has been classified as a Variant of Uncertain Significance.

NM_002241.5(KCNJ10):c.923G>A (p.Gly308Asp)

Gene: KCNJ10 (potassium inwardly rectifying channel subfamily J member 10; minus strand). Cytogenetic location: 1q23.2.
Variant type: single nucleotide variant.
Coding change: c.923G>A on transcript NM_002241.5 (MANE Select); coding-DNA position 923, G replaced by A.
Protein change: p.Gly308Asp; replaces glycine 308 with aspartic acid.
Molecular consequence: missense variant.
Genome position (GRCh38, 1-based): chr1:160,041,610, C>T on the plus strand (G>A on the coding strand, the complement: KCNJ10 is on the minus strand). VCF-style: chr1-160041610-C-T. GRCh37 (hg19) VCF-style: chr1-160011400-C-T.
Other names: short protein forms G308D.
Identifiers: ClinVar variation 3690186 (VCV003690186.2).